The following is an entry in ClinVar:

NM_021076.4(NEFH):c.392C>T (p.Ala131Val)

Gene: NEFH (neurofilament heavy chain; plus strand). Cytogenetic location: 22q12.2.
Variant type: single nucleotide variant.
Coding change: c.392C>T on transcript NM_021076.4 (MANE Select); coding-DNA position 392, C replaced by T.
Protein change: p.Ala131Val; replaces alanine 131 with valine.
Molecular consequence: missense variant.
Genome position (GRCh38, 1-based): chr22:29,480,654, C>T. VCF-style: chr22-29480654-C-T. GRCh37 (hg19) VCF-style: chr22-29876643-C-T.
Other names: short protein forms A131V.
Identifiers: ClinVar variation 1438915 (VCV001438915.8), dbSNP rs753673971, ClinGen allele CA10174008.
Genomic context (GRCh38, chr22:29,480,654, plus strand): 5'-ACATCGACAAGGTGCGGCAGCTGGAGGCGCACAACCGCAGCCTGGAGGGCGAGGCTGCGG[C>T]GCTGCGGCAGCAGCAGGCGGGCCGCTCCGCTATGGGCGAGCTGTACGAGCGCGAGGTCCG-3'
Protein context (NP_066554.2, residues 121-141): HNRSLEGEAA[Ala131Val]LRQQQAGRSA

ClinVar aggregate classification (germline): Uncertain significance (1 of 4 stars; one submission).

Allele frequency attached by ClinVar (database versions not stated): gnomAD 0.00001; gnomAD exomes 0.00002 and 0.00006; TOPMed 0.00003; ExAC 0.00016.

Submission:

Labcorp Genetics (formerly Invitae), Labcorp
Classification: Uncertain significance. Last evaluated: 2023-09-08. Review status: criteria provided, single submitter. Criteria: Invitae Variant Classification Sherloc (09022015). Collection method: clinical testing. Allele origin: germline.
Comment: In summary, the available evidence is currently insufficient to determine the role of this variant in disease. Therefore, it has been classified as a Variant of Uncertain Significance. Advanced modeling of protein sequence and biophysical properties (such as structural, functional, and spatial information, amino acid conservation, physicochemical variation, residue mobility, and thermodynamic stability) performed at Invitae indicates that this missense variant is not expected to disrupt NEFH protein function. ClinVar contains an entry for this variant (Variation ID: 1438915). This variant has not been reported in the literature in individuals affected with NEFH-related conditions. This variant is present in population databases (rs753673971, gnomAD 0.03%). This sequence change replaces alanine, which is neutral and non-polar, with valine, which is neutral and non-polar, at codon 131 of the NEFH protein (p.Ala131Val).